The following is an entry in ClinVar:

ClinVar aggregate classification (germline): Uncertain significance. Review status: criteria provided, multiple submitters, no conflicts (2 of 4 stars). 2 submissions from 2 submitters: Uncertain significance (2). Last evaluated 2023-12-06.

Allele frequency attached by ClinVar (database versions not stated): ExAC 0.00002; gnomAD exomes 0.00002; gnomAD 0.00003 and 0.00004; TOPMed 0.00003.
gnomAD v4.1: 36 of 1,613,092 alleles (0.0022%); highest among the groups gnomAD compares: African/African-American, 0.0053%; no homozygotes.

Submissions (2):

Labcorp Genetics (formerly Invitae), Labcorp
Classification: Uncertain significance. Last evaluated: 2023-12-06. Review status: criteria provided, single submitter. Criteria: Invitae Variant Classification Sherloc (09022015). Collection method: clinical testing. Allele origin: germline.
Comment: This sequence change replaces arginine, which is basic and polar, with tryptophan, which is neutral and slightly polar, at codon 655 of the LAMC3 protein (p.Arg655Trp). This variant is present in population databases (rs773028028, gnomAD 0.01%). This variant has not been reported in the literature in individuals affected with LAMC3-related conditions. ClinVar contains an entry for this variant (Variation ID: 1204743). An algorithm developed to predict the effect of missense changes on protein structure and function (PolyPhen-2) suggests that this variant¬†is likely to be tolerated. In summary, the available evidence is currently insufficient to determine the role of this variant in disease. Therefore, it has been classified as a Variant of Uncertain Significance.

GeneDx
Classification: Uncertain significance. Last evaluated: 2020-12-22. Review status: criteria provided, single submitter. Criteria: GeneDx Variant Classification Process June 2021. Collection method: clinical testing. Allele origin: germline. Affected: yes.
Comment: Not observed at a significant frequency in large population cohorts (Lek et al., 2016); In silico analysis supports that this missense variant has a deleterious effect on protein structure/function; Has not been previously published as pathogenic or benign to our knowledge

NM_006059.4(LAMC3):c.1963C>T (p.Arg655Trp)

Gene: LAMC3 (laminin subunit gamma 3; plus strand). Cytogenetic location: 9q34.12.
Variant type: single nucleotide variant.
Coding change: c.1963C>T on transcript NM_006059.4 (MANE Select); coding-DNA position 1963, C replaced by T.
Protein change: p.Arg655Trp; replaces arginine 655 with tryptophan.
Molecular consequence: missense variant.
Genome position (GRCh38, 1-based): chr9:131,056,952, C>T. VCF-style: chr9-131056952-C-T. GRCh37 (hg19) VCF-style: chr9-133932339-C-T.
Other names: short protein forms R655W.
Identifiers: ClinVar variation 1204743 (VCV001204743.7), dbSNP rs773028028, ClinGen allele CA5287292.
Genomic context (GRCh38, chr9:131,056,952, plus strand): 5'-TGCCTCCTCTCTTCCTCTCTCCCTTCTCGCTCTGCAGGTCCAGTGTTCCTGACTGAGGTC[C>T]GGCTCACATCCGCCCGGCCAGGGCTTTCCCCGCCAGCCTCCTGGGTGGAGATTTGTTCAT-3'
Protein context (NP_006050.3, residues 645-665): PAGPVFLTEV[Arg655Trp]LTSARPGLSP